The following is an entry in ClinVar:

ClinVar aggregate classification (germline): Conflicting classifications of pathogenicity. Review status: criteria provided, conflicting classifications (1 of 4 stars). 3 submissions from 3 submitters: Uncertain significance (1); Likely benign (2). Last evaluated 2024-10-14.

Conditions:
Alagille syndrome due to a JAG1 point mutation. Also called: HEPATIC DUCTULAR HYPOPLASIA, SYNDROMATIC; Alagille Syndrome 1; JAG1-Related Alagille Syndrome. Identifiers: Orphanet 261619, Orphanet 52, MedGen C1956125, MONDO:0016862, OMIM 118450.
Tetralogy of Fallot (TOF). Identifiers: Orphanet 3303, MedGen C0039685, MONDO:0008542, OMIM 187500, HP:0001636.
Cardiovascular phenotype. Identifiers: MedGen CN230736.

gnomAD v4.1: 2 of 1,613,482 alleles (0.00012%); highest among the groups gnomAD compares: East Asian, 0.0045%; no homozygotes.

Submissions (3):

Labcorp Genetics (formerly Invitae), Labcorp
Classification: Likely benign for Alagille syndrome due to a JAG1 point mutation. Last evaluated: 2024-10-14. Review status: criteria provided, single submitter. Criteria: Invitae Variant Classification Sherloc (09022015). Collection method: clinical testing. Allele origin: germline.

Ambry Genetics
Classification: Likely benign for Cardiovascular phenotype. Last evaluated: 2024-06-09. Review status: criteria provided, single submitter. Criteria: Ambry Variant Classification Scheme 2023. Collection method: clinical testing. Allele origin: germline.

Victorian Clinical Genetics Services, Murdoch Childrens Research Institute
Classification: Uncertain significance for Tetralogy of Fallot. Last evaluated: 2022-02-02. Review status: criteria provided, single submitter. Criteria: ACMG Guidelines, 2015. Collection method: clinical testing. Allele origin: germline. Inheritance: Autosomal dominant inheritance. Affected: yes.
Comment: Based on the classification scheme VCGS_Germline_v1.3.4, this variant is classified as VUS-3B. Following criteria are met: 0102 - Loss of function is a known mechanism of disease in this gene and is associated with Alagille syndrome 1 (MIM#118450) and Tetralogy of Fallot (MIM#187500). The mechanism for Charcot-Marie-Tooth disease, axonal, type 2HH (MIM#619574) is not clearly established, but loss of function is suggested (PMID: 32065591). (I) 0107 - This gene is associated with autosomal dominant disease. (I) 0212 - Non-canonical splice region variant without proven consequence on splicing (no functional evidence available). (SP) 0251 - This variant is heterozygous. (I) 0302 - Variant is present in gnomAD (v2) <0.001 for a dominant condition (2 heterozygotes, 0 homozygotes). (SP) 0311 - An alternative nucleotide change at the same position is present in gnomAD (v2) at a frequency of (18620 heterozygotes, 877 homozygotes). (I) 0505 - Abnormal splicing is predicted by in silico tools, with the loss of a donor site and retention of the canonical splice site. The affected nucleotide has low conservation. (I) 0709 - Another splice variant comparable to the one identified in this case has moderate previous evidence for being benign. This alternative nucleotide change (c.744A>G) has been reported many times as benign (ClinVar). (SB) 0807 - This variant has no previous evidence of pathogenicity. (I) 0905 - No published segregation evidence has been identified for this variant. (I) 1007 - No published functional evidence has been identified for this variant. (I) Legend: (SP) - Supporting pathogenic, (I) - Information, (SB) - Supporting benign

Literature cited by the submitters: PubMed 32065591 (cited by Victorian Clinical Genetics Services, Murdoch Childrens Research Institute).

NM_000214.3(JAG1):c.744A>T (p.Pro248=)

Gene: JAG1 (jagged canonical Notch ligand 1; minus strand). Cytogenetic location: 20p12.2.
Variant type: single nucleotide variant.
Coding change: c.744A>T on transcript NM_000214.3 (MANE Select); coding-DNA position 744, A replaced by T.
Protein change: p.Pro248=; no amino-acid change (proline 248 retained).
Molecular consequence: synonymous variant.
Genome position (GRCh38, 1-based): chr20:10,656,409, T>A on the plus strand (A>T on the coding strand, the complement: JAG1 is on the minus strand). VCF-style: chr20-10656409-T-A. GRCh37 (hg19) VCF-style: chr20-10637057-T-A.
Other names: c.744A>T (NM_000214.2).
Identifiers: ClinVar variation 1805243 (VCV001805243.4), dbSNP rs10485741, ClinGen allele CA9765068.